The following is an entry in ClinVar:

ClinVar aggregate classification (germline): Likely benign (1 of 4 stars; one submission).

Conditions:
Familial thoracic aortic aneurysm and aortic dissection (TAAD). Also called: Thoracic aortic aneurysms and dissections. Identifiers: Orphanet 91387, MedGen C4707243, MONDO:0019625.

gnomAD v4.1: 2 of 1,614,142 alleles (0.00012%); highest among the groups gnomAD compares: Non-Finnish European, 0.00017%; no homozygotes.

Submission:

All of Us Research Program, National Institutes of Health
Classification: Likely benign for Familial thoracic aortic aneurysm and aortic dissection. Last evaluated: 2024-04-16. Review status: criteria provided, single submitter. Criteria: ACMG Guidelines, 2015. Collection method: clinical testing. Allele origin: germline. Inheritance: Autosomal dominant inheritance. Observed: 1 variant allele, 1 heterozygote.
Comment: This study involves interpretation of variants in research participants for the purpose of population health screening. Participant phenotype was not available at the time of variant classification. Additional details can be found in publication PMID: 35346344, PMCID: PMC8962531

NM_002474.3(MYH11):c.2463G>A (p.Arg821=)

Gene: MYH11 (myosin heavy chain 11; minus strand). Cytogenetic location: 16p13.11.
Variant type: single nucleotide variant.
Coding change: c.2463G>A on transcript NM_002474.3 (MANE Select); coding-DNA position 2463, G replaced by A.
Protein change: p.Arg821=; no amino-acid change (arginine 821 retained).
Molecular consequence: synonymous variant.
Genome position (GRCh38, 1-based): chr16:15,745,186, C>T on the plus strand (G>A on the coding strand, the complement: MYH11 is on the minus strand). VCF-style: chr16-15745186-C-T. GRCh37 (hg19) VCF-style: chr16-15839043-C-T.
Other names: c.2484G>A, p.Arg828= (NM_001040113.2, NM_001040114.2); c.2463G>A, p.Arg821= (NM_022844.3).
Identifiers: ClinVar variation 3387218 (VCV003387218.1).
Genomic context (GRCh38, chr16:15,745,186, plus strand): 5'-CACTTTGGTGAAAAGCCTCCACCACTGCCAGTTCCGCAGCTTGAGGTAGGCGGCGCAGTT[C>T]CTCTGAATCACCTTCATGGCGGTCAGCTGCTGCTGCCTCTTGGCAAAAGCCCTAGGGAGG-3'
Protein context (NP_002465.1, residues 811-831): QQLTAMKVIQ[Arg821=]NCAAYLKLRN